The following is an entry in ClinVar:

ClinVar aggregate classification (germline): Uncertain significance (1 of 4 stars; one submission).

gnomAD v4.1: 34 of 1,609,568 alleles (0.0021%); highest among the groups gnomAD compares: Non-Finnish European, 0.0029%; no homozygotes.

Submission:

ARUP Laboratories, Molecular Genetics and Genomics, ARUP Laboratories
Classification: Uncertain significance. Last evaluated: 2020-11-18. Review status: criteria provided, single submitter. Criteria: ARUP Molecular Germline Variant Investigation Process 2021. Collection method: clinical testing. Allele origin: germline.
Comment: The TTN c.19663G>T; p.Val6555Leu variant is rare in the general population (<0.2% allele frequency in the Genome Aggregation Database) and has not been reported in the medical literature in association with dilated cardiomyopathy (DCM) or other TTN-related disease. The clinical relevance of rare missense variants in this gene, which are identified on average once per individual sequenced in affected populations (Herman 2012), is not well understood. Yet, evidence suggests that the vast majority of such missense variants do not contribute to the clinical outcome of DCM (Begay 2015). Thus, the clinical significance of the p.Val6555Leu variant cannot be determined with certainty. References: Begay RL et al. Role of Titin Missense Variants in Dilated Cardiomyopathy. J Am Heart Assoc. 2015 Nov 13;4(11). Herman DS et al. Truncations of titin causing dilated cardiomyopathy. N Engl J Med. 2012 Feb 16;366(7):619-28. Linke WA and Hamdani N. Gigantic business: titin properties and function through thick and thin. Circ Res 2014; 114(6): 1052-1068.

NM_001267550.2(TTN):c.19663G>T (p.Val6555Leu)

Gene: TTN (titin; minus strand). Cytogenetic location: 2q31.2.
Variant type: single nucleotide variant.
Coding change: c.19663G>T on transcript NM_001267550.2 (MANE Select); coding-DNA position 19663, G replaced by T.
Protein change: p.Val6555Leu; replaces valine 6555 with leucine.
Molecular consequence: missense variant. On other transcripts: intron variant (3).
Genome position (GRCh38, 1-based): chr2:178,728,161, C>A on the plus strand (G>T on the coding strand, the complement: TTN is on the minus strand). VCF-style: chr2-178728161-C-A. GRCh37 (hg19) VCF-style: chr2-179592888-C-A.
Other names: c.18712G>T, p.Val6238Leu (NM_001256850.1); c.15931G>T, p.Val5311Leu (NM_133378.4); c.13282+9921G>T (NM_003319.4); c.13858+9921G>T (NM_133437.4); c.13657+9921G>T (NM_133432.3); short protein forms V5311L, V6238L, V6555L.
Identifiers: ClinVar variation 1330674 (VCV001330674.7), dbSNP rs753901455, ClinGen allele CA349552089.